The following is an entry in ClinVar:

ClinVar aggregate classification (germline): Uncertain significance. Review status: criteria provided, multiple submitters, no conflicts (2 of 4 stars). 3 submissions from 3 submitters: Uncertain significance (3). Last evaluated 2024-02-21.

Conditions:
KATNAL2-related autism.
KATNAL2-related disorder. Also called: KATNAL2-related condition.

Allele frequency attached by ClinVar (database versions not stated): gnomAD 0.00002; TOPMed 0.00004.

Submissions (3):

Ambry Genetics
Classification: Uncertain significance. Last evaluated: 2024-02-21. Review status: criteria provided, single submitter. Criteria: Ambry Variant Classification Scheme 2023. Collection method: clinical testing. Allele origin: germline.

PreventionGenetics, part of Exact Sciences
Classification: Uncertain significance for KATNAL2-related condition. Last evaluated: 2023-05-15. Review status: criteria provided, single submitter. Criteria: ACMG Guidelines, 2015. Collection method: clinical testing. Allele origin: germline.
Comment: The KATNAL2 c.523C>T variant is predicted to result in the amino acid substitution p.His175Tyr. To our knowledge, this variant has not been reported in the literature. This variant is reported in 0.0% of alleles in individuals of African descent in gnomAD. At this time, the clinical significance of this variant is uncertain due to the absence of conclusive functional and genetic evidence.

New York Genome Center
Classification: Uncertain significance for KATNAL2-related autism. Last evaluated: 2019-12-19. Review status: criteria provided, single submitter. Criteria: NYGC Assertion Criteria 2020. Collection method: clinical testing. Allele origin: germline. Observed: 1 heterozygote. Study: CSER-NYCKidSeq.
Comment: The c.523C>T, p.His175Tyr missense variant in the KATNAL2 gene has not been reported in the available literature. The variant has 0.003% allele frequency in the gnomAD database (1 out of 31,090 heterozygous alleles), indicatin this is a rare allele. In silico tools, predict conflicting evidence of pathogenicity. Based on the available evidence,the c.523C>T, p.His175Tyr variant in the KATNAL2 gene is classified as a variant of uncertain significance.

NM_001387690.1(KATNAL2):c.739C>T (p.His247Tyr)

Gene: KATNAL2 (katanin catalytic subunit A1 like 2; plus strand). Cytogenetic location: 18q21.1.
Variant type: single nucleotide variant.
Coding change: c.739C>T on transcript NM_001387690.1 (MANE Select); coding-DNA position 739, C replaced by T.
Protein change: p.His247Tyr; replaces histidine 247 with tyrosine.
Molecular consequence: missense variant. On other transcripts: intron variant (4).
Genome position (GRCh38, 1-based): chr18:47,067,033, C>T. VCF-style: chr18-47067033-C-T. GRCh37 (hg19) VCF-style: chr18-44593404-C-T.
Other names: c.817C>T, p.His273Tyr (NM_001353899.1); c.814C>T, p.His272Tyr (NM_001353900.1); c.739C>T, p.His247Tyr (NM_001353901.1, NM_001367621.1); c.406C>T, p.His136Tyr (NM_001353903.1, NM_001353905.1, NM_001353906.1 and 1 more transcripts); c.523C>T, p.His175Tyr (NM_031303.3); c.394-2187C>T (NM_001353904.1, NM_001353909.1, NM_001353908.1); c.805-2187C>T (NM_001353902.1); short protein forms H136Y, H175Y, H247Y, H272Y, H273Y.
Identifiers: ClinVar variation 978127 (VCV000978127.4), dbSNP rs1569106508, ClinGen allele CA402407893.